The following is an entry in ClinVar:

ClinVar aggregate classification (germline): Uncertain significance. Review status: criteria provided, multiple submitters, no conflicts (2 of 4 stars). 2 submissions from 2 submitters: Uncertain significance (2). Last evaluated 2025-03-04.

Submissions (2):

Center for Genomic Medicine, Rigshospitalet, Copenhagen University Hospital
Classification: Uncertain significance. Last evaluated: 2025-03-04. Review status: criteria provided, single submitter. Criteria: ACMG Guidelines, 2015. Collection method: clinical testing. Allele origin: germline.

Labcorp Genetics (formerly Invitae), Labcorp
Classification: Uncertain significance. Last evaluated: 2025-01-19. Review status: criteria provided, single submitter. Criteria: Invitae Variant Classification Sherloc (09022015). Collection method: clinical testing. Allele origin: germline.
Comment: This sequence change replaces alanine, which is neutral and non-polar, with glycine, which is neutral and non-polar, at codon 2192 of the POLE protein (p.Ala2192Gly). This variant is not present in population databases (gnomAD no frequency). This variant has not been reported in the literature in individuals affected with POLE-related conditions. ClinVar contains an entry for this variant (Variation ID: 1008891). Invitae Evidence Modeling of protein sequence and biophysical properties (such as structural, functional, and spatial information, amino acid conservation, physicochemical variation, residue mobility, and thermodynamic stability) indicates that this missense variant is not expected to disrupt POLE protein function with a negative predictive value of 80%. In summary, the available evidence is currently insufficient to determine the role of this variant in disease. Therefore, it has been classified as a Variant of Uncertain Significance.

NM_006231.4(POLE):c.6575C>G (p.Ala2192Gly)

Gene: POLE (DNA polymerase epsilon, catalytic subunit; minus strand). Cytogenetic location: 12q24.33.
Variant type: single nucleotide variant.
Coding change: c.6575C>G on transcript NM_006231.4 (MANE Select); coding-DNA position 6575, C replaced by G.
Protein change: p.Ala2192Gly; replaces alanine 2192 with glycine.
Molecular consequence: missense variant.
Genome position (GRCh38, 1-based): chr12:132,625,727, G>C on the plus strand (C>G on the coding strand, the complement: POLE is on the minus strand). VCF-style: chr12-132625727-G-C. GRCh37 (hg19) VCF-style: chr12-133202313-G-C.
Other names: short protein forms A2192G.
Identifiers: ClinVar variation 1008891 (VCV001008891.10), dbSNP rs756301031, ClinGen allele CA387366757.